The following is an entry in ClinVar:

ClinVar aggregate classification (germline): Conflicting classifications of pathogenicity. Review status: criteria provided, conflicting classifications (1 of 4 stars). 2 submissions from 2 submitters: Uncertain significance (1); Likely benign (1). Last evaluated 2024-03-22.

Conditions:
Familial cancer of breast. Also called: hereditary breast carcinoma; BREAST CANCER, FAMILIAL; Hereditary breast cancer. Identifiers: Orphanet 227535, MedGen C0346153, MONDO:0016419, OMIM 114480. Disease mechanism: loss of function.
Hereditary cancer-predisposing syndrome. Also called: Neoplastic Syndromes, Hereditary; Hereditary Cancer Syndrome; Hereditary neoplastic syndrome; Tumor predisposition. Identifiers: Orphanet 140162, MedGen C0027672, MeSH D009386, MONDO:0015356.

Submissions (2):

Ambry Genetics
Classification: Likely benign for Hereditary cancer-predisposing syndrome. Last evaluated: 2024-03-22. Review status: criteria provided, single submitter. Criteria: Ambry Variant Classification Scheme 2023. Collection method: clinical testing. Allele origin: germline.

Labcorp Genetics (formerly Invitae), Labcorp
Classification: Uncertain significance for Familial cancer of breast. Last evaluated: 2022-07-16. Review status: criteria provided, single submitter. Criteria: Invitae Variant Classification Sherloc (09022015). Collection method: clinical testing. Allele origin: germline.
Comment: This sequence change replaces proline, which is neutral and non-polar, with leucine, which is neutral and non-polar, at codon 852 of the PALB2 protein (p.Pro852Leu). This variant is not present in population databases (gnomAD no frequency). This variant has not been reported in the literature in individuals affected with PALB2-related conditions. Algorithms developed to predict the effect of missense changes on protein structure and function output the following: SIFT: "Tolerated"; PolyPhen-2: "Benign"; Align-GVGD: "Class C0". The leucine amino acid residue is found in multiple mammalian species, which suggests that this missense change does not adversely affect protein function. In summary, the available evidence is currently insufficient to determine the role of this variant in disease. Therefore, it has been classified as a Variant of Uncertain Significance.

NM_024675.4(PALB2):c.2555C>T (p.Pro852Leu)

Gene: PALB2 (partner and localizer of BRCA2; minus strand). Cytogenetic location: 16p12.2.
Variant type: single nucleotide variant.
Coding change: c.2555C>T on transcript NM_024675.4 (MANE Select); coding-DNA position 2555, C replaced by T.
Protein change: p.Pro852Leu; replaces proline 852 with leucine.
Molecular consequence: missense variant.
Genome position (GRCh38, 1-based): chr16:23,629,235, G>A on the plus strand (C>T on the coding strand, the complement: PALB2 is on the minus strand). VCF-style: chr16-23629235-G-A. GRCh37 (hg19) VCF-style: chr16-23640556-G-A.
Other names: c.2495C>T, p.Pro832Leu (NM_001407296.1); c.2555C>T, p.Pro852Leu (NM_001407298.1, NM_001407299.1, NM_001407300.1 and 2 more transcripts); c.1670C>T, p.Pro557Leu (NM_001407304.1, NM_001407305.1, NM_001407306.1 and 5 more transcripts); c.767C>T, p.Pro256Leu (NM_001407312.1, NM_001407313.1); c.89C>T, p.Pro30Leu (NM_001407314.1); short protein forms P30L, P256L, P832L, P852L, P557L.
Identifiers: ClinVar variation 2110914 (VCV002110914.5), dbSNP rs2142368283, ClinGen allele CA395123750.